The following is an entry in ClinVar:

ClinVar aggregate classification (germline): Pathogenic (1 of 4 stars; one submission).

Conditions:
Charcot-Marie-Tooth disease type 2. Also called: Charcot-Marie-Tooth type 2. Identifiers: Orphanet 64746, MedGen C0270914, MONDO:0018993.

Submission:

Labcorp Genetics (formerly Invitae), Labcorp
Classification: Pathogenic for Charcot-Marie-Tooth disease type 2. Last evaluated: 2023-09-03. Review status: criteria provided, single submitter. Criteria: Invitae Variant Classification Sherloc (09022015). Collection method: clinical testing. Allele origin: germline.
Comment: For these reasons, this variant has been classified as Pathogenic. This sequence change creates a premature translational stop signal (p.Ala151Serfs*3) in the LMNA gene. It is expected to result in an absent or disrupted protein product. Loss-of-function variants in LMNA are known to be pathogenic (PMID: 18585512, 18926329). This variant is not present in population databases (gnomAD no frequency). This variant has not been reported in the literature in individuals affected with LMNA-related conditions.

Literature cited by the submitters: PubMed 18585512; PubMed 18926329.

NM_170707.4(LMNA):c.450_451del (p.Ala151fs)

Genes: LMNA (lamin A/C; plus strand), LOC126805877 (MED14-independent group 3 enhancer GRCh37_chr1:156099693-156100892; plus strand). Cytogenetic location: 1q22.
Variant type: Deletion.
Coding change: c.450_451del on transcript NM_170707.4 (MANE Select); coding-DNA positions 450 to 451, 2 bases deleted (TG; older notation c.450_451delTG).
Protein change: p.Ala151fs; shifts the reading frame from alanine 151.
Molecular consequence: frameshift variant. On other transcripts: intron variant (4), 5 prime UTR variant (7).
Genome position (GRCh38, 1-based): chr1:156,130,710-156,130,711, TG deleted. VCF-style (leftmost placement, unchanged base first): chr1-156130709-CTG-C. GRCh37 (hg19) VCF-style: chr1-156100500-CTG-C.
Other names: c.450_451del, p.Ala151fs (NM_005572.4, NM_170708.4, NM_001282625.2 and 6 more transcripts); c.-45-3693_-45-3692del (NM_001407002.1, NM_001406995.1, NM_001406990.1); c.-151-3693_-151-3692del (NM_001407001.1); c.114_115del, p.Ala39fs (NM_001257374.3, NM_001406989.1, NM_001406998.1); c.207_208del, p.Ala70fs (NM_001282624.2, NM_001406986.1, NM_001406987.1); c.153_154del, p.Ala52fs (NM_001406988.1); c.-109_-108del (NM_001406993.1, NM_001406996.1, NM_001406997.1 and 1 more transcripts); c.-215_-214del (NM_001406994.1, NM_001406999.1, NM_001407000.1); short protein forms A39fs, A52fs, A151fs, A70fs.
Identifiers: ClinVar variation 2757500 (VCV002757500.3), dbSNP rs2527936871, ClinGen allele CA2697554597.